The following is an entry in ClinVar:

NM_001614.5(ACTG1):c.494T>A (p.Ile165Asn)

Gene: ACTG1 (actin gamma 1; minus strand). Cytogenetic location: 17q25.3.
Variant type: single nucleotide variant.
Coding change: c.494T>A on transcript NM_001614.5 (MANE Select); coding-DNA position 494, T replaced by A.
Protein change: p.Ile165Asn; replaces isoleucine 165 with asparagine.
Molecular consequence: missense variant. On other transcripts: non-coding transcript variant (1).
Genome position (GRCh38, 1-based): chr17:81,511,496, A>T on the plus strand (T>A on the coding strand, the complement: ACTG1 is on the minus strand). VCF-style: chr17-81511496-A-T. GRCh37 (hg19) VCF-style: chr17-79478522-A-T.
Other names: c.494T>A, p.Ile165Asn (NM_001199954.3); short protein forms I165N.
Identifiers: ClinVar variation 3601143 (VCV003601143.1).

ClinVar aggregate classification (germline): Likely pathogenic (1 of 4 stars; one submission).

Conditions:
Autosomal dominant nonsyndromic hearing loss 20. Identifiers: Orphanet 90635, MedGen C1858172, MONDO:0011480, OMIM 604717.

Submission:

Institute of Rare Diseases, West China Hospital, Sichuan University
Classification: Likely pathogenic for Autosomal dominant nonsyndromic hearing loss 20. Last evaluated: 2025-01-09. Review status: criteria provided, single submitter. Criteria: ClinGen HL ACMG Specifications v1. Collection method: research. Allele origin: germline. Affected: yes.
Comment: PS2;PM2_Supporting;PP3